The following is an entry in ClinVar:

ClinVar aggregate classification (germline): Uncertain significance (1 of 4 stars; one submission).

Conditions:
Neurodevelopmental disorder with severe motor impairment and absent language. Also called: NEURODEVELOPMENTAL DISORDER WITH VARIABLE MOTOR AND LANGUAGE IMPAIRMENT. Identifiers: Orphanet 647788, MedGen C4540496, MONDO:0060622, OMIM 617804.

Submission:

Laboratorio de Genetica e Diagnostico Molecular, Hospital Israelita Albert Einstein
Classification: Uncertain significance for Neurodevelopmental disorder with severe motor impairment and absent language. Last evaluated: 2022-09-28. Review status: criteria provided, single submitter. Criteria: ACMG Guidelines, 2015. Collection method: clinical testing. Allele origin: germline. Affected: yes.
Comment: ACMG classification criteria: PM2 moderated

NM_138615.3(DHX30):c.2493+19G>T

Gene: DHX30 (DExH-box helicase 30; plus strand). Cytogenetic location: 3p21.31.
Variant type: single nucleotide variant.
Coding change: c.2493+19G>T on transcript NM_138615.3 (MANE Select); 19 bases into the intron after coding-DNA position 2493, G replaced by T.
Molecular consequence: intron variant.
Genome position (GRCh38, 1-based): chr3:47,848,405, G>T. VCF-style: chr3-47848405-G-T. GRCh37 (hg19) VCF-style: chr3-47889895-G-T.
Other names: c.2409+19G>T (NM_001330990.2); c.2376+19G>T (NM_014966.4).
Identifiers: ClinVar variation 2431925 (VCV002431925.2), dbSNP rs1279991735, ClinGen allele CA2580069904.